The following is an entry in ClinVar:

ClinVar aggregate classification (germline): Uncertain significance. Review status: criteria provided, multiple submitters, no conflicts (2 of 4 stars). 2 submissions from 2 submitters: Uncertain significance (2). Last evaluated 2025-10-02.

Allele frequency attached by ClinVar (database versions not stated): ExAC 0.00004; gnomAD 0.00004; gnomAD exomes 0.00005.
gnomAD v4.1: 87 of 1,613,624 alleles (0.0054%); highest among the groups gnomAD compares: Non-Finnish European, 0.0067%; no homozygotes.

Submissions (2):

Labcorp Genetics (formerly Invitae), Labcorp
Classification: Uncertain significance. Last evaluated: 2025-10-02. Review status: criteria provided, single submitter. Criteria: Invitae Variant Classification Sherloc (09022015). Collection method: clinical testing. Allele origin: germline.
Comment: This sequence change replaces arginine, which is basic and polar, with histidine, which is basic and polar, at codon 1613 of the NIN protein (p.Arg1613His). This variant is present in population databases (rs200205970, gnomAD 0.01%). This variant has not been reported in the literature in individuals affected with NIN-related conditions. ClinVar contains an entry for this variant (Variation ID: 2064763). An algorithm developed to predict the effect of missense changes on protein structure and function outputs the following: PolyPhen-2: "Benign". The histidine amino acid residue is found in multiple mammalian species, which suggests that this missense change does not adversely affect protein function. In summary, the available evidence is currently insufficient to determine the role of this variant in disease. Therefore, it has been classified as a Variant of Uncertain Significance.

Ambry Genetics
Classification: Uncertain significance. Last evaluated: 2022-10-26. Review status: criteria provided, single submitter. Criteria: Ambry Variant Classification Scheme 2023. Collection method: clinical testing. Allele origin: germline.

NM_020921.4(NIN):c.4838G>A (p.Arg1613His)

Gene: NIN (ninein; minus strand). Cytogenetic location: 14q22.1.
Variant type: single nucleotide variant.
Coding change: c.4838G>A on transcript NM_020921.4 (MANE Select); coding-DNA position 4838, G replaced by A.
Protein change: p.Arg1613His; replaces arginine 1613 with histidine.
Molecular consequence: missense variant.
Genome position (GRCh38, 1-based): chr14:50,752,630, C>T on the plus strand (G>A on the coding strand, the complement: NIN is on the minus strand). VCF-style: chr14-50752630-C-T. GRCh37 (hg19) VCF-style: chr14-51219348-C-T.
Other names: c.2699G>A, p.Arg900His (NM_016350.5); c.4838G>A, p.Arg1613His (NM_182944.3, NM_182946.2); short protein forms R1613H, R900H.
Identifiers: ClinVar variation 2064763 (VCV002064763.5), dbSNP rs200205970, ClinGen allele CA7181484.